The following is an entry in ClinVar:

NM_152743.4(BRAT1):c.1508C>T (p.Pro503Leu)

Gene: BRAT1 (BRCA1 associated ATM activator 1; minus strand). Cytogenetic location: 7p22.3.
Variant type: single nucleotide variant.
Coding change: c.1508C>T on transcript NM_152743.4 (MANE Select); coding-DNA position 1508, C replaced by T.
Protein change: p.Pro503Leu; replaces proline 503 with leucine.
Molecular consequence: missense variant. On other transcripts: non-coding transcript variant (1).
Genome position (GRCh38, 1-based): chr7:2,539,633, G>A on the plus strand (C>T on the coding strand, the complement: BRAT1 is on the minus strand). VCF-style: chr7-2539633-G-A. GRCh37 (hg19) VCF-style: chr7-2579267-G-A.
Other names: c.1508C>T, p.Pro503Leu (NM_001350626.2); c.983C>T, p.Pro328Leu (NM_001350627.2); c.1508C>T (NM_152743.3); short protein forms P328L, P503L.
Identifiers: ClinVar variation 998742 (VCV000998742.5), dbSNP rs753205052, ClinGen allele CA152666081.
Genomic context (GRCh38, chr7:2,539,633, plus strand): 5'-AACTCGAGGGCGGAGTCCCTCACCTCCCAGCAGGGGTGGCACAGGCGTTTCTGCAGCACA[G>A]GGAACAGCTCTAGGGTGGGAAGGGACAGGTCAGGGTGACCTTGGGGCCAGGCTCACCCTG-3'
Protein context (NP_689956.2, residues 493-513): LIPQFLRELF[Pro503Leu]VLQKRLCHPC

ClinVar aggregate classification (germline): Uncertain significance. Review status: criteria provided, multiple submitters, no conflicts (2 of 4 stars). 2 submissions from 2 submitters: Uncertain significance (2). Last evaluated 2024-12-30.

Conditions:
Neonatal-onset encephalopathy with rigidity and seizures. Also called: Lethal neonatal spasticity-epileptic encephalopathy syndrome. Identifiers: Orphanet 435845, MedGen C3281029, MONDO:0013784, OMIM 614498.
Inborn genetic diseases. Identifiers: MedGen C0950123, MeSH D030342.

Allele frequency attached by ClinVar (database versions not stated): gnomAD 0.00002; gnomAD exomes 0.00002 and 0.00007; TOPMed 0.00002.

Submissions (2):

Ambry Genetics
Classification: Uncertain significance for Inborn genetic diseases. Last evaluated: 2024-12-30. Review status: criteria provided, single submitter. Criteria: Ambry Variant Classification Scheme 2023. Collection method: clinical testing. Allele origin: germline.

Labcorp Genetics (formerly Invitae), Labcorp
Classification: Uncertain significance for Neonatal-onset encephalopathy with rigidity and seizures. Last evaluated: 2022-07-18. Review status: criteria provided, single submitter. Criteria: Invitae Variant Classification Sherloc (09022015). Collection method: clinical testing. Allele origin: germline.
Comment: This sequence change replaces proline, which is neutral and non-polar, with leucine, which is neutral and non-polar, at codon 503 of the BRAT1 protein (p.Pro503Leu). The frequency data for this variant in the population databases is considered unreliable, as metrics indicate poor data quality at this position in the gnomAD database. This variant has not been reported in the literature in individuals affected with BRAT1-related conditions. ClinVar contains an entry for this variant (Variation ID: 998742). Algorithms developed to predict the effect of missense changes on protein structure and function output the following: SIFT: "Tolerated"; PolyPhen-2: "Benign"; Align-GVGD: "Class C0". The leucine amino acid residue is found in multiple mammalian species, which suggests that this missense change does not adversely affect protein function. In summary, the available evidence is currently insufficient to determine the role of this variant in disease. Therefore, it has been classified as a Variant of Uncertain Significance.